The following is an entry in ClinVar:

ClinVar aggregate classification (germline): Uncertain significance (1 of 4 stars; one submission).

Conditions:
Ataxia-telangiectasia syndrome (AT). Also called: LOUIS-BAR SYNDROME; Cerebello-oculocutaneous telangiectasia; Immunodeficiency with ataxia telangiectasia; AT, COMPLEMENTATION GROUP C; Ataxia-telangiectasia, complementation group D; ATAXIA-TELANGIECTASIA, COMPLEMENTATION GROUP A. Identifiers: Orphanet 100, MedGen C0004135, MONDO:0008840, OMIM 208900.

Submission:

Labcorp Genetics (formerly Invitae), Labcorp
Classification: Uncertain significance for Ataxia-telangiectasia syndrome. Last evaluated: 2023-04-11. Review status: criteria provided, single submitter. Criteria: Invitae Variant Classification Sherloc (09022015). Collection method: clinical testing. Allele origin: unknown.
Comment: In summary, the available evidence is currently insufficient to determine the role of this variant in disease. Therefore, it has been classified as a Variant of Uncertain Significance. This variant has not been reported in the literature in individuals affected with ATM-related conditions. This variant results in a copy number gain of the genomic region encompassing exon(s) 30-63 of the ATM gene. This region includes the termination codon of the gene. This copy number gain extends beyond the assayed region for this gene and therefore may encompass additional genes. As the precise location of this event is unknown, it may be in tandem or it may be located elsewhere in the genome.

NC_000011.9:g.(?_108163336)_(108236235_?)dup

Gene: ATM (ATM serine/threonine kinase; plus strand). Cytogenetic location: 11q22.3.
Variant type: Duplication.
Identifiers: ClinVar variation 3244499 (VCV003244499.1).